The following is an entry in ClinVar:

NM_006306.4(SMC1A):c.386A>G (p.Lys129Arg)

Gene: SMC1A (structural maintenance of chromosomes 1A; minus strand). Cytogenetic location: Xp11.22.
Variant type: single nucleotide variant.
Coding change: c.386A>G on transcript NM_006306.4 (MANE Select); coding-DNA position 386, A replaced by G.
Protein change: p.Lys129Arg; replaces lysine 129 with arginine.
Molecular consequence: missense variant.
Genome position (GRCh38, 1-based): chrX:53,414,783, T>C on the plus strand (A>G on the coding strand, the complement: SMC1A is on the minus strand). VCF-style: chrX-53414783-T-C. GRCh37 (hg19) VCF-style: chrX-53441732-T-C.
Other names: c.320A>G, p.Lys107Arg (NM_001281463.1); short protein forms K107R, K129R.
Identifiers: ClinVar variation 1446961 (VCV001446961.7), dbSNP rs1223252947, ClinGen allele CA413131457.
Genomic context (GRCh38, chrX:53,414,783, plus strand): 5'-AAACCAGATAGCCAATAACTGTTAAAAACGCCCACCTGGAAAACGAGGAAGTTACGAGCT[T>C]TGATGAGAATGCCCAACTTCTCTAATTCCTCACTGTACTCATGTAGTTGGACCACTTTGT-3'
Protein context (NP_006297.2, residues 119-139): EELEKLGILI[Lys129Arg]ARNFLVFQGA

ClinVar aggregate classification (germline): Uncertain significance. Review status: criteria provided, multiple submitters, no conflicts (2 of 4 stars). 2 submissions from 2 submitters: Uncertain significance (2). Last evaluated 2026-06-30.

Conditions:
Congenital muscular hypertrophy-cerebral syndrome (CDLS2). Also called: SMC1A-Related Cornelia de Lange Syndrome; Cornelia de Lange syndrome 2. Identifiers: Orphanet 199, MedGen C1802395, MONDO:0010370, OMIM 300590.

Allele frequency attached by ClinVar (database versions not stated): gnomAD 0.00001; gnomAD exomes 0.00001; TOPMed 0.00003.
gnomAD v4.1: 8 of 1,202,745 alleles (0.00067%); highest among the groups gnomAD compares: Non-Finnish European, 0.0009%; no homozygotes.

Submissions (2):

Women's Health and Genetics/Laboratory Corporation of America, LabCorp
Classification: Uncertain significance. Last evaluated: 2026-06-30. Review status: criteria provided, single submitter. Criteria: LabCorp Variant Classification Summary - May 2015. Collection method: clinical testing. Allele origin: germline.
Comment: Variant summary: SMC1A c.386A>G (p.Lys129Arg) results in a conservative amino acid change located in the Smc1, ATP-binding cassette domain (IPR028468) of the encoded protein sequence. Algorithms developed to predict the effect of missense changes on protein structure and function are either unavailable or do not agree on the potential impact of this missense change. The variant allele was found at a frequency of 5.5e-06 in 183447 control chromosomes. The available data on variant occurrences in the general population are insufficient to allow any conclusion about variant significance. To our knowledge, no occurrence of c.386A>G in individuals affected with SMC1A-related conditions and no experimental evidence demonstrating its impact on protein function have been reported. The following publications have been ascertained in the context of this evaluation (PMID: 29860495, 24220272, 20514443, 24487413, 24904756, 27288520, 31896782, 24335498, 25006131). ClinVar contains an entry for this variant (Variation ID: 1446961). Based on the evidence outlined above, the variant was classified as uncertain significance.

Labcorp Genetics (formerly Invitae), Labcorp
Classification: Uncertain significance for Congenital muscular hypertrophy-cerebral syndrome. Last evaluated: 2025-06-18. Review status: criteria provided, single submitter. Criteria: Invitae Variant Classification Sherloc (09022015). Collection method: clinical testing. Allele origin: germline.
Comment: This sequence change replaces lysine, which is basic and polar, with arginine, which is basic and polar, at codon 129 of the SMC1A protein (p.Lys129Arg). This variant is present in population databases (no rsID available, gnomAD 0.001%), including at least one homozygous and/or hemizygous individual. This variant has not been reported in the literature in individuals affected with SMC1A-related conditions. ClinVar contains an entry for this variant (Variation ID: 1446961). Invitae Evidence Modeling of protein sequence and biophysical properties (such as structural, functional, and spatial information, amino acid conservation, physicochemical variation, residue mobility, and thermodynamic stability) indicates that this missense variant is not expected to disrupt SMC1A protein function with a negative predictive value of 80%. In summary, the available evidence is currently insufficient to determine the role of this variant in disease. Therefore, it has been classified as a Variant of Uncertain Significance.

Literature cited by the submitters: PubMed 27288520 (cited by Women's Health and Genetics/Laboratory Corporation of America, LabCorp); PubMed 20514443 (cited by Women's Health and Genetics/Laboratory Corporation of America, LabCorp); PubMed 29860495 (cited by Women's Health and Genetics/Laboratory Corporation of America, LabCorp); PubMed 24220272 (cited by Women's Health and Genetics/Laboratory Corporation of America, LabCorp); PubMed 24487413 (cited by Women's Health and Genetics/Laboratory Corporation of America, LabCorp); PubMed 24904756 (cited by Women's Health and Genetics/Laboratory Corporation of America, LabCorp); PubMed 24335498 (cited by Women's Health and Genetics/Laboratory Corporation of America, LabCorp); PubMed 25006131 (cited by Women's Health and Genetics/Laboratory Corporation of America, LabCorp); PubMed 31896782 (cited by Women's Health and Genetics/Laboratory Corporation of America, LabCorp).